The following is an entry in ClinVar:

ClinVar aggregate classification (germline): Benign/Likely benign. Review status: criteria provided, multiple submitters, no conflicts (2 of 4 stars). 2 submissions from 2 submitters: Benign (1); Likely benign (1). Last evaluated 2025-08-20.

gnomAD v4.1: 135 of 1,207,556 alleles (0.011%); highest among the groups gnomAD compares: South Asian, 0.22%; no homozygotes.

Submissions (2):

Labcorp Genetics (formerly Invitae), Labcorp
Classification: Benign. Last evaluated: 2025-08-20. Review status: criteria provided, single submitter. Criteria: Invitae Variant Classification Sherloc (09022015). Collection method: clinical testing. Allele origin: germline.

CeGaT Center for Human Genetics Tuebingen
Classification: Likely benign. Last evaluated: 2025-04-01. Review status: criteria provided, single submitter. Criteria: CeGaT Center For Human Genetics Tuebingen Variant Classification Criteria Version 2. Collection method: clinical testing. Allele origin: germline. Affected: yes. Observed: 1 variant allele.
Comment: THOC2: BP4, BS2

NM_001081550.2(THOC2):c.4017T>C (p.Asp1339=)

Gene: THOC2 (THO complex subunit 2; minus strand). Cytogenetic location: Xq25.
Variant type: single nucleotide variant.
Coding change: c.4017T>C on transcript NM_001081550.2 (MANE Select); coding-DNA position 4017, T replaced by C.
Protein change: p.Asp1339=; no amino-acid change (aspartic acid 1339 retained).
Molecular consequence: synonymous variant.
Genome position (GRCh38, 1-based): chrX:123,621,356, A>G on the plus strand (T>C on the coding strand, the complement: THOC2 is on the minus strand). VCF-style: chrX-123621356-A-G. GRCh37 (hg19) VCF-style: chrX-122755207-A-G.
Identifiers: ClinVar variation 3777971 (VCV003777971.8).